The following is an entry in ClinVar:

NM_000051.4(ATM):c.6523A>C (p.Arg2175=)

Genes: ATM (ATM serine/threonine kinase; plus strand), C11orf65 (chromosome 11 open reading frame 65; minus strand). Cytogenetic location: 11q22.3.
Variant type: single nucleotide variant.
Coding change: c.6523A>C on transcript NM_000051.4 (MANE Select); coding-DNA position 6523, A replaced by C.
Protein change: p.Arg2175=; no amino-acid change (arginine 2175 retained).
Molecular consequence: synonymous variant. On other transcripts: intron variant (2).
Genome position (GRCh38, 1-based): chr11:108,321,371, A>C. VCF-style: chr11-108321371-A-C. GRCh37 (hg19) VCF-style: chr11-108192098-A-C.
Other names: c.6523A>C, p.Arg2175= (NM_001351834.2); c.641-12300T>G (NM_001330368.2); c.*39-12300T>G (NM_001351110.2).
Identifiers: ClinVar variation 1112464 (VCV001112464.12), dbSNP rs2085199556, ClinGen allele CA476676202.

ClinVar aggregate classification (germline): Benign/Likely benign. Review status: criteria provided, multiple submitters, no conflicts (2 of 4 stars). 3 submissions from 3 submitters: Benign (1); Likely benign (2). Last evaluated 2024-08-22.

Conditions:
Familial cancer of breast. Also called: Hereditary breast cancer; hereditary breast carcinoma; BREAST CANCER, FAMILIAL. Identifiers: Orphanet 227535, MedGen C0346153, MONDO:0016419, OMIM 114480. Disease mechanism: loss of function.
Hereditary cancer-predisposing syndrome. Also called: Neoplastic Syndromes, Hereditary; Tumor predisposition; Hereditary Cancer Syndrome; Hereditary neoplastic syndrome. Identifiers: Orphanet 140162, MedGen C0027672, MeSH D009386, MONDO:0015356.
Ataxia-telangiectasia syndrome (AT). Also called: Ataxia telangiectasia (A-T); ATAXIA-TELANGIECTASIA, COMPLEMENTATION GROUP A; ATAXIA-TELANGIECTASIA, FRESNO VARIANT; Ataxia-telangiectasia; Ataxia-telangiectasia, complementation group E; LOUIS-BAR SYNDROME. Identifiers: Orphanet 100, MedGen C0004135, MONDO:0008840, OMIM 208900.

Allele frequency attached by ClinVar (database versions not stated): TOPMed below 0.00001.

Submissions (3):

Labcorp Genetics (formerly Invitae), Labcorp
Classification: Likely benign for Ataxia-telangiectasia syndrome. Last evaluated: 2024-08-22. Review status: criteria provided, single submitter. Criteria: Invitae Variant Classification Sherloc (09022015). Collection method: clinical testing. Allele origin: germline.

Myriad Genetics, Inc.
Classification: Benign for Familial cancer of breast. Last evaluated: 2024-06-06. Review status: criteria provided, single submitter. Criteria: Myriad Autosomal Dominant, Autosomal Recessive and X-Linked Classification Criteria (2023). Collection method: clinical testing. Allele origin: unknown.
Comment: This variant is considered benign. This variant is a silent/synonymous amino acid change and it is not expected to impact splicing.

Ambry Genetics
Classification: Likely benign for Hereditary cancer-predisposing syndrome. Last evaluated: 2020-09-25. Review status: criteria provided, single submitter. Criteria: Ambry Variant Classification Scheme 2023. Collection method: clinical testing. Allele origin: germline.